The following is an entry in ClinVar:

NM_080473.5(GATA5):c.892G>A (p.Ala298Thr)

Gene: GATA5 (GATA binding protein 5; minus strand). Cytogenetic location: 20q13.33.
Variant type: single nucleotide variant.
Coding change: c.892G>A on transcript NM_080473.5 (MANE Select); coding-DNA position 892, G replaced by A.
Protein change: p.Ala298Thr; replaces alanine 298 with threonine.
Molecular consequence: missense variant.
Genome position (GRCh38, 1-based): chr20:62,465,855, C>T on the plus strand (G>A on the coding strand, the complement: GATA5 is on the minus strand). VCF-style: chr20-62465855-C-T. GRCh37 (hg19) VCF-style: chr20-61040911-C-T.
Other names: short protein forms A298T.
Identifiers: ClinVar variation 3903165 (VCV003903165.4).

ClinVar aggregate classification (germline): Conflicting classifications of pathogenicity. Review status: criteria provided, conflicting classifications (1 of 4 stars). 4 submissions from 4 submitters: Uncertain significance (2); Likely benign (2). Last evaluated 2025-11-27.

gnomAD v4.1: 14 of 1,593,560 alleles (0.00088%); highest among the groups gnomAD compares: Middle Eastern, 0.017%; no homozygotes.

Submissions (4):

Labcorp Genetics (formerly Invitae), Labcorp
Classification: Uncertain significance. Last evaluated: 2025-11-27. Review status: criteria provided, single submitter. Criteria: Invitae Variant Classification Sherloc (09022015). Collection method: clinical testing. Allele origin: germline.
Comment: This sequence change replaces alanine, which is neutral and non-polar, with threonine, which is neutral and polar, at codon 298 of the GATA5 protein (p.Ala298Thr). This variant is present in population databases (rs782625539, gnomAD 0.04%). This variant has not been reported in the literature in individuals affected with GATA5-related conditions. ClinVar contains an entry for this variant (Variation ID: 3903165). Invitae Evidence Modeling of protein sequence and biophysical properties (such as structural, functional, and spatial information, amino acid conservation, physicochemical variation, residue mobility, and thermodynamic stability) indicates that this missense variant is not expected to disrupt GATA5 protein function with a negative predictive value of 80%. In summary, the available evidence is currently insufficient to determine the role of this variant in disease. Therefore, it has been classified as a Variant of Uncertain Significance.

Ambry Genetics
Classification: Likely benign. Last evaluated: 2025-06-11. Review status: criteria provided, single submitter. Criteria: Ambry Variant Classification Scheme 2023. Collection method: clinical testing. Allele origin: germline.

GeneDx
Classification: Uncertain significance. Last evaluated: 2024-12-16. Review status: criteria provided, single submitter. Criteria: GeneDx Variant Classification Process June 2021. Collection method: clinical testing. Allele origin: germline. Affected: yes.
Comment: In silico analysis indicates that this missense variant does not alter protein structure/function; Has not been previously published as pathogenic or benign to our knowledge

Blueprint Genetics
Classification: Likely benign. Last evaluated: 2024-08-30. Review status: criteria provided, single submitter. Criteria: ACMG Guidelines, 2015. Collection method: clinical testing. Allele origin: germline.